The following is an entry in ClinVar:

ClinVar aggregate classification (germline): Uncertain significance. Review status: criteria provided, multiple submitters, no conflicts (2 of 4 stars). 2 submissions from 2 submitters: Uncertain significance (2). Last evaluated 2025-07-03.

Conditions:
Hereditary cancer-predisposing syndrome. Also called: Tumor predisposition; Hereditary Cancer Syndrome; Hereditary neoplastic syndrome; Neoplastic Syndromes, Hereditary. Identifiers: Orphanet 140162, MedGen C0027672, MeSH D009386, MONDO:0015356.
Rhabdoid tumor predisposition syndrome 2 (RTPS2). Identifiers: Orphanet 231108, Orphanet 69077, MedGen C2750074, MONDO:0013224, OMIM 613325.

Allele frequency attached by ClinVar (database versions not stated): TOPMed 0.00001.

Submissions (2):

Ambry Genetics
Classification: Uncertain significance for Hereditary cancer-predisposing syndrome. Last evaluated: 2025-07-03. Review status: criteria provided, single submitter. Criteria: Ambry Variant Classification Scheme 2023. Collection method: clinical testing. Allele origin: germline.
Comment: The p.R1547L variant (also known as c.4640G>T), located in coding exon 32 of the SMARCA4 gene, results from a G to T substitution at nucleotide position 4640. The arginine at codon 1547 is replaced by leucine, an amino acid with dissimilar properties. This variant was detected as heterozygous in individuals with no reported features of Coffin-Siris syndrome (Ambry internal data). This amino acid position is highly conserved in available vertebrate species. In addition, this alteration is predicted to be tolerated by in silico analysis. Based on the supporting evidence, the association of this alteration with rhabdoid tumor predisposition syndrome is unknown; however, the association of this alteration with Coffin-Siris syndrome is unlikely.

Labcorp Genetics (formerly Invitae), Labcorp
Classification: Uncertain significance for Rhabdoid tumor predisposition syndrome 2. Last evaluated: 2025-06-18. Review status: criteria provided, single submitter. Criteria: Invitae Variant Classification Sherloc (09022015). Collection method: clinical testing. Allele origin: germline.
Comment: This sequence change replaces arginine, which is basic and polar, with leucine, which is neutral and non-polar, at codon 1547 of the SMARCA4 protein (p.Arg1547Leu). This variant is not present in population databases (gnomAD no frequency). This variant has not been reported in the literature in individuals affected with SMARCA4-related conditions. ClinVar contains an entry for this variant (Variation ID: 537772). Invitae Evidence Modeling of protein sequence and biophysical properties (such as structural, functional, and spatial information, amino acid conservation, physicochemical variation, residue mobility, and thermodynamic stability) has been performed for this missense variant. However, the output from this modeling did not meet the statistical confidence thresholds required to predict the impact of this variant on SMARCA4 protein function. In summary, the available evidence is currently insufficient to determine the role of this variant in disease. Therefore, it has been classified as a Variant of Uncertain Significance.

NM_003072.5(SMARCA4):c.4544G>T (p.Arg1515Leu)

Gene: SMARCA4 (SWI/SNF related BAF chromatin remodeling complex subunit ATPase 4; plus strand). Cytogenetic location: 19p13.2.
Variant type: single nucleotide variant.
Coding change: c.4544G>T on transcript NM_003072.5 (MANE Select); coding-DNA position 4544, G replaced by T.
Protein change: p.Arg1515Leu; replaces arginine 1515 with leucine.
Molecular consequence: missense variant. On other transcripts: non-coding transcript variant (1).
Genome position (GRCh38, 1-based): chr19:11,058,798, G>T. VCF-style: chr19-11058798-G-T. GRCh37 (hg19) VCF-style: chr19-11169474-G-T.
Other names: c.4544G>T, p.Arg1515Leu (NM_001128844.3); c.4454G>T, p.Arg1485Leu (NM_001128845.2); c.4451G>T, p.Arg1484Leu (NM_001128846.2); c.4445G>T, p.Arg1482Leu (NM_001128847.4, NM_001374457.1); c.4442G>T, p.Arg1481Leu (NM_001128848.2); c.4640G>T, p.Arg1547Leu (NM_001128849.3, NM_001387283.1); short protein forms R1547L, R1515L, R1481L, R1482L, R1484L, R1485L.
Identifiers: ClinVar variation 537772 (VCV000537772.12), dbSNP rs1555795341, ClinGen allele CA404078690.